The following is an entry in ClinVar:

ClinVar aggregate classification (germline): Uncertain significance. Review status: criteria provided, multiple submitters, no conflicts (2 of 4 stars). 4 submissions from 4 submitters: Uncertain significance (4). Last evaluated 2025-06-18.

Conditions:
Retinal dystrophy. Also called: Inherited retinal dystrophy. Identifiers: Orphanet 71862, MedGen C0854723, MeSH D058499, MONDO:0019118, HP:0000556.
Inborn genetic diseases. Identifiers: MedGen C0950123, MeSH D030342.

Allele frequency attached by ClinVar (database versions not stated): gnomAD 0.00001 and 0.00002; TOPMed 0.00003; gnomAD exomes 0.00006; ExAC 0.00008.
gnomAD v4.1: 30 of 1,613,690 alleles (0.0019%); highest among the groups gnomAD compares: East Asian, 0.042%; no homozygotes.

Submissions (4):

Labcorp Genetics (formerly Invitae), Labcorp
Classification: Uncertain significance. Last evaluated: 2025-06-18. Review status: criteria provided, single submitter. Criteria: Invitae Variant Classification Sherloc (09022015). Collection method: clinical testing. Allele origin: germline.
Comment: This sequence change replaces glutamic acid, which is acidic and polar, with lysine, which is basic and polar, at codon 42 of the PROM1 protein (p.Glu42Lys). This variant is present in population databases (rs762631402, gnomAD 0.08%). This variant has not been reported in the literature in individuals affected with PROM1-related conditions. ClinVar contains an entry for this variant (Variation ID: 1460701). Invitae Evidence Modeling of protein sequence and biophysical properties (such as structural, functional, and spatial information, amino acid conservation, physicochemical variation, residue mobility, and thermodynamic stability) indicates that this missense variant is not expected to disrupt PROM1 protein function with a negative predictive value of 80%. In summary, the available evidence is currently insufficient to determine the role of this variant in disease. Therefore, it has been classified as a Variant of Uncertain Significance.

Ambry Genetics
Classification: Uncertain significance for Inborn genetic diseases. Last evaluated: 2024-02-05. Review status: criteria provided, single submitter. Criteria: Ambry Variant Classification Scheme 2023. Collection method: clinical testing. Allele origin: germline.

Dept Of Ophthalmology, Nagoya University
Classification: Uncertain significance for Retinal dystrophy. Last evaluated: 2023-10-01. Review status: criteria provided, single submitter. Criteria: Submitter's publication. Collection method: research. Allele origin: germline. Affected: yes.

Blueprint Genetics
Classification: Uncertain significance. Last evaluated: 2021-09-30. Review status: criteria provided, single submitter. Criteria: ACMG Guidelines, 2015. Collection method: clinical testing. Allele origin: germline.

NM_006017.3(PROM1):c.124G>A (p.Glu42Lys)

Gene: PROM1 (prominin 1; minus strand). Cytogenetic location: 4p15.32.
Variant type: single nucleotide variant.
Coding change: c.124G>A on transcript NM_006017.3 (MANE Select); coding-DNA position 124, G replaced by A.
Protein change: p.Glu42Lys; replaces glutamic acid 42 with lysine.
Molecular consequence: missense variant.
Genome position (GRCh38, 1-based): chr4:16,075,783, C>T on the plus strand (G>A on the coding strand, the complement: PROM1 is on the minus strand). VCF-style: chr4-16075783-C-T. GRCh37 (hg19) VCF-style: chr4-16077406-C-T.
Other names: c.124G>A (NM_006017.2); c.124G>A, p.Glu42Lys (NM_001145847.2, NM_001145848.2, NM_001145849.2 and 6 more transcripts); short protein forms E42K.
Identifiers: ClinVar variation 1460701 (VCV001460701.11), dbSNP rs762631402, ClinGen allele CA2867188.